The following is an entry in ClinVar:

ClinVar aggregate classification (germline): Conflicting classifications of pathogenicity. Review status: criteria provided, conflicting classifications (1 of 4 stars). 7 submissions from 7 submitters: Uncertain significance (1); Benign (3); Likely benign (1). 2 of the submissions do not count toward it. Last evaluated 2025-11-22.

Conditions:
Inborn genetic diseases. Identifiers: MedGen C0950123, MeSH D030342.
ATRX-related disorder. Also called: ATRX-related condition.
Alpha thalassemia-X-linked intellectual disability syndrome (ATRX). Also called: X-linked alpha-thalassemia-mental retardation syndrome; ALPHA-THALASSEMIA/MENTAL RETARDATION SYNDROME, X-LINKED; ATR, NONDELETION TYPE; ATR-X syndrome; Alpha thalassemia mental retardation syndrome, nondeletion type, X-linked; XLMR hypotonic face syndrome. Identifiers: Orphanet 847, MedGen C1845055, MONDO:0010519, OMIM 301040.

Allele frequency attached by ClinVar (database versions not stated): gnomAD 0.00001; TOPMed 0.00006; ExAC 0.00016.
gnomAD v4.1: 41 of 1,203,743 alleles (0.0034%); highest among the groups gnomAD compares: Admixed American, 0.091%; no homozygotes.

Submissions (7):

Labcorp Genetics (formerly Invitae), Labcorp
Classification: Benign for Alpha thalassemia-X-linked intellectual disability syndrome. Last evaluated: 2025-11-22. Review status: criteria provided, single submitter. Criteria: Invitae Variant Classification Sherloc (09022015). Collection method: clinical testing. Allele origin: germline.

CeGaT Center for Human Genetics Tuebingen
Classification: Likely benign. Last evaluated: 2025-10-01. Review status: criteria provided, single submitter. Criteria: CeGaT Center For Human Genetics Tuebingen Variant Classification Criteria Version 2. Collection method: clinical testing. Allele origin: germline. Affected: yes. Observed: 1 variant allele.
Comment: ATRX: BS2

Ambry Genetics
Classification: Benign for Inborn genetic diseases. Last evaluated: 2019-10-26. Review status: criteria provided, single submitter. Criteria: Ambry Variant Classification Scheme 2023. Collection method: clinical testing. Allele origin: germline.

GeneDx
Classification: Benign. Last evaluated: 2019-08-01. Review status: criteria provided, single submitter. Criteria: GeneDx Variant Classification Process June 2021. Collection method: clinical testing. Allele origin: germline. Affected: yes.

Genetic Services Laboratory, University of Chicago
Classification: Uncertain significance. Last evaluated: 2013-08-12. Review status: criteria provided, single submitter. Criteria: ACMG Guidelines, 2007. Collection method: clinical testing. Allele origin: germline. Inheritance: X-linked inheritance.

PreventionGenetics, part of Exact Sciences
Classification: Likely benign for ATRX-related condition. Last evaluated: 2022-05-24. Review status: no assertion criteria provided. Collection method: clinical testing. Allele origin: germline. Not counted in ClinVar's aggregate classification.
Comment: This variant is classified as likely benign based on ACMG/AMP sequence variant interpretation guidelines (Richards et al. 2015 PMID: 25741868, with internal and published modifications).

Natera, Inc.
Classification: Benign for X-linked alpha-thalassemia-mental retardation syndrome. Last evaluated: 2020-07-07. Review status: no assertion criteria provided. Collection method: clinical testing. Allele origin: germline. Not counted in ClinVar's aggregate classification.

NM_000489.6(ATRX):c.3395T>C (p.Ile1132Thr)

Gene: ATRX (ATRX chromatin remodeler; minus strand). Cytogenetic location: Xq21.1.
Variant type: single nucleotide variant.
Coding change: c.3395T>C on transcript NM_000489.6 (MANE Select); coding-DNA position 3395, T replaced by C.
Protein change: p.Ile1132Thr; replaces isoleucine 1132 with threonine.
Molecular consequence: missense variant.
Genome position (GRCh38, 1-based): chrX:77,681,861, A>G on the plus strand (T>C on the coding strand, the complement: ATRX is on the minus strand). VCF-style: chrX-77681861-A-G. GRCh37 (hg19) VCF-style: chrX-76937353-A-G.
Other names: c.3281T>C, p.Ile1094Thr (NM_138270.5); short protein forms I1132T, I1094T.
Identifiers: ClinVar variation 128492 (VCV000128492.36), dbSNP rs587780285, ClinGen allele CA230921.
Genomic context (GRCh38, chrX:77,681,861, plus strand): 5'-CCACTTTGTATTTCCTTAGTATTTCTCTTTGAACTTAAATTTCTTCTTTCCCTCAATTCT[A>G]TTCTTTTCAGTCTCTTATCAGAAGAGTTACAACCATCTTCTTTCATGGAATATTTCTCAG-3'
Protein context (NP_000480.3, residues 1122-1142): CNSSDKRLKR[Ile1132Thr]ELRERRNLSS